The following is an entry in ClinVar:

ClinVar aggregate classification (germline): Uncertain significance (1 of 4 stars; one submission).

Conditions:
Inborn genetic diseases. Identifiers: MedGen C0950123, MeSH D030342.

Submission:

Ambry Genetics
Classification: Uncertain significance for Inborn genetic diseases. Last evaluated: 2024-12-12. Review status: criteria provided, single submitter. Criteria: Ambry Variant Classification Scheme 2023. Collection method: clinical testing. Allele origin: germline.
Comment: The p.W440R variant (also known as c.1318T>C), located in coding exon 1 of the SAMD9L gene, results from a T to C substitution at nucleotide position 1318. The tryptophan at codon 440 is replaced by arginine, an amino acid with dissimilar properties. This amino acid position is conserved. In addition, this alteration is predicted to be tolerated by in silico analysis. Based on the available evidence, the clinical significance of this variant remains unclear.

NM_152703.5(SAMD9L):c.1318T>C (p.Trp440Arg)

Gene: SAMD9L (sterile alpha motif domain containing 9 like; minus strand). Cytogenetic location: 7q21.2.
Variant type: single nucleotide variant.
Coding change: c.1318T>C on transcript NM_152703.5 (MANE Select); coding-DNA position 1318, T replaced by C.
Protein change: p.Trp440Arg; replaces tryptophan 440 with arginine.
Molecular consequence: missense variant.
Genome position (GRCh38, 1-based): chr7:93,134,654, A>G on the plus strand (T>C on the coding strand, the complement: SAMD9L is on the minus strand). VCF-style: chr7-93134654-A-G. GRCh37 (hg19) VCF-style: chr7-92763967-A-G.
Other names: c.1318T>C, p.Trp440Arg (NM_001303496.3, NM_001303497.3, NM_001303498.3 and 5 more transcripts); short protein forms W440R.
Identifiers: ClinVar variation 3792188 (VCV003792188.1).